The following is an entry in ClinVar:

ClinVar aggregate classification (germline): Uncertain significance (1 of 4 stars; one submission).

Allele frequency attached by ClinVar (database versions not stated): gnomAD exomes 0.00003 and 0.00007; ExAC 0.00011.
gnomAD v4.1: 52 of 1,612,250 alleles (0.0032%); highest among the groups gnomAD compares: South Asian, 0.043%; no homozygotes.

Submission:

Labcorp Genetics (formerly Invitae), Labcorp
Classification: Uncertain significance. Last evaluated: 2024-10-15. Review status: criteria provided, single submitter. Criteria: Invitae Variant Classification Sherloc (09022015). Collection method: clinical testing. Allele origin: germline.
Comment: This sequence change falls in intron 20 of the ATRN gene. It does not directly change the encoded amino acid sequence of the ATRN protein. It affects a nucleotide within the consensus splice site. This variant is present in population databases (rs765948887, gnomAD 0.04%). This variant has not been reported in the literature in individuals affected with ATRN-related conditions. ClinVar contains an entry for this variant (Variation ID: 1372822). Variants that disrupt the consensus splice site are a relatively common cause of aberrant splicing (PMID: 17576681, 9536098). Algorithms developed to predict the effect of sequence changes on RNA splicing suggest that this variant is not likely to affect RNA splicing. In summary, the available evidence is currently insufficient to determine the role of this variant in disease. Therefore, it has been classified as a Variant of Uncertain Significance.

Literature cited by the submitters: PubMed 17576681; PubMed 9536098.

NM_139321.3(ATRN):c.3417-3C>T

Gene: ATRN (attractin; plus strand). Cytogenetic location: 20p13.
Variant type: single nucleotide variant.
Coding change: c.3417-3C>T on transcript NM_139321.3 (MANE Select); 3 bases into the intron before coding-DNA position 3417, C replaced by T.
Molecular consequence: intron variant.
Genome position (GRCh38, 1-based): chr20:3,596,374, C>T. VCF-style: chr20-3596374-C-T. GRCh37 (hg19) VCF-style: chr20-3577021-C-T.
Other names: c.3417-3C>T (NM_001323332.2, NM_139322.4); c.3069-3C>T (NM_001207047.3).
Identifiers: ClinVar variation 1372822 (VCV001372822.6), dbSNP rs765948887, ClinGen allele CA9744549.